The following is an entry in ClinVar:

NM_002474.3(MYH11):c.5055G>A (p.Leu1685=)

Genes: NDE1 (nudE neurodevelopment protein 1; plus strand), MYH11 (myosin heavy chain 11; minus strand). Cytogenetic location: 16p13.11.
Variant type: single nucleotide variant.
Coding change: c.5055G>A on transcript NM_002474.3 (MANE Select); coding-DNA position 5055, G replaced by A.
Protein change: p.Leu1685=; no amino-acid change (leucine 1685 retained).
Molecular consequence: synonymous variant. On other transcripts: intron variant (2).
Genome position (GRCh38, 1-based): chr16:15,719,612, C>T on the plus strand (G>A on the coding strand, the complement: MYH11 is on the minus strand). VCF-style: chr16-15719612-C-T. GRCh37 (hg19) VCF-style: chr16-15813469-C-T.
Other names: c.5076G>A, p.Leu1692= (NM_001040113.2, NM_001040114.2); c.5055G>A, p.Leu1685= (NM_022844.3); c.948-4579C>T (NM_001143979.2, NM_017668.3).
Identifiers: ClinVar variation 2773799 (VCV002773799.3), dbSNP rs754570649, ClinGen allele CA493755438.

ClinVar aggregate classification (germline): Likely benign. Review status: criteria provided, multiple submitters, no conflicts (2 of 4 stars). 2 submissions from 2 submitters: Likely benign (2). Last evaluated 2023-06-26.

Conditions:
Familial thoracic aortic aneurysm and aortic dissection (TAAD). Also called: Thoracic aortic aneurysms and dissections. Identifiers: Orphanet 91387, MedGen C4707243, MONDO:0019625.

gnomAD v4.1: 9 of 1,614,208 alleles (0.00056%); highest among the groups gnomAD compares: Admixed American, 0.0017%; no homozygotes.

Submissions (2):

All of Us Research Program, National Institutes of Health
Classification: Likely benign for Familial thoracic aortic aneurysm and aortic dissection. Last evaluated: 2023-06-26. Review status: criteria provided, single submitter. Criteria: ACMG Guidelines, 2015. Collection method: clinical testing. Allele origin: germline. Inheritance: Autosomal dominant inheritance. Observed: 1 variant allele, 1 heterozygote.
Comment: This study involves interpretation of variants in research participants for the purpose of population health screening. Participant phenotype was not available at the time of variant classification. Additional details can be found in publication PMID: 35346344, PMCID: PMC8962531

Color Diagnostics, LLC DBA Color Health
Classification: Likely benign for Familial thoracic aortic aneurysm and aortic dissection. Last evaluated: 2022-12-13. Review status: criteria provided, single submitter. Criteria: ACMG Guidelines, 2015. Collection method: clinical testing. Allele origin: germline.